The following is an entry in ClinVar:

ClinVar aggregate classification (germline): Uncertain significance. Review status: criteria provided, multiple submitters, no conflicts (2 of 4 stars). 4 submissions from 4 submitters: Uncertain significance (4). Last evaluated 2025-07-15.

Conditions:
Inborn genetic diseases. Identifiers: MedGen C0950123, MeSH D030342.
CHARGE syndrome (CHARGE). Also called: Hittner Hirsch Kreh syndrome; CHARGE ASSOCIATION--COLOBOMA, HEART ANOMALY, CHOANAL ATRESIA, RETARDATION, GENITAL AND EAR ANOMALIES; Coloboma, heart anomaly, choanal atresia, retardation, genital and ear anomalies; CHARGE association; Hall-Hittner syndrome. Identifiers: Orphanet 138, MedGen C0265354, MONDO:0008965.

Allele frequency attached by ClinVar (database versions not stated): gnomAD exomes below 0.00001; TOPMed below 0.00001.
gnomAD v4.1: 1 of 1,612,478 alleles (0.000062%); highest among the groups gnomAD compares: Admixed American, 0.0017%; no homozygotes.

Submissions (4):

Dasa
Classification: Uncertain significance for CHARGE syndrome. Last evaluated: 2025-07-15. Review status: criteria provided, single submitter. Criteria: DASA Assertion Criteria. Collection method: clinical testing. Allele origin: germline.
Comment: NM_017780.4(CHD7):c.1466A>C (p.Gln489Pro) is a missense variant that results in the substitution of glutamine with proline. This variant is rare in population databases. Computational prediction algorithms are consistent with a benign effect. The currently available literature and clinical evidence are not sufficient to establish a definitive association between this variant and the reported condition. Therefore, this variant is classified as a variant of uncertain significance.

Labcorp Genetics (formerly Invitae), Labcorp
Classification: Uncertain significance for CHARGE syndrome. Last evaluated: 2022-11-02. Review status: criteria provided, single submitter. Criteria: Invitae Variant Classification Sherloc (09022015). Collection method: clinical testing. Allele origin: germline.
Comment: This variant is not present in population databases (gnomAD no frequency). This sequence change replaces glutamine, which is neutral and polar, with proline, which is neutral and non-polar, at codon 489 of the CHD7 protein (p.Gln489Pro). In summary, the available evidence is currently insufficient to determine the role of this variant in disease. Therefore, it has been classified as a Variant of Uncertain Significance. Advanced modeling of protein sequence and biophysical properties (such as structural, functional, and spatial information, amino acid conservation, physicochemical variation, residue mobility, and thermodynamic stability) performed at Invitae indicates that this missense variant is not expected to disrupt CHD7 protein function. This variant has not been reported in the literature in individuals affected with CHD7-related conditions.

Ambry Genetics
Classification: Uncertain significance for Inborn genetic diseases. Last evaluated: 2019-12-27. Review status: criteria provided, single submitter. Criteria: Ambry Variant Classification Scheme 2023. Collection method: clinical testing. Allele origin: germline.
Comment: The p.Q489P variant (also known as c.1466A>C), located in coding exon 1 of the CHD7 gene, results from an A to C substitution at nucleotide position 1466. The glutamine at codon 489 is replaced by proline, an amino acid with similar properties. This amino acid position is highly conserved in available vertebrate species. In addition, the in silico prediction for this alteration is inconclusive. Since supporting evidence is limited at this time, the clinical significance of this alteration remains unclear.

Blueprint Genetics
Classification: Uncertain significance. Last evaluated: 2018-12-13. Review status: criteria provided, single submitter. Criteria: ACMG Guidelines, 2015. Collection method: clinical testing. Allele origin: germline.

NM_017780.4(CHD7):c.1466A>C (p.Gln489Pro)

Gene: CHD7 (chromodomain helicase DNA binding protein 7; plus strand). Cytogenetic location: 8q12.2.
Variant type: single nucleotide variant.
Coding change: c.1466A>C on transcript NM_017780.4 (MANE Select); coding-DNA position 1466, A replaced by C.
Protein change: p.Gln489Pro; replaces glutamine 489 with proline.
Molecular consequence: missense variant.
Genome position (GRCh38, 1-based): chr8:60,742,898, A>C. VCF-style: chr8-60742898-A-C. GRCh37 (hg19) VCF-style: chr8-61655457-A-C.
Other names: c.1466A>C, p.Gln489Pro (NM_001316690.1); short protein forms Q489P.
Identifiers: ClinVar variation 1773253 (VCV001773253.10), dbSNP rs1809127222, ClinGen allele CA371303075.
Genomic context (GRCh38, chr8:60,742,898, plus strand): 5'-GGGAATTGACTGGGCACATGAGGCCAAATGGTTGTCCTGGTGTTGGCCTTGGAGACCCAC[A>C]AGCAATCCAGGAACGACTGATACCTGGCCAACAACATCCTGGTCAACAGCCATCTTTTCA-3'
Protein context (NP_060250.2, residues 479-499): GCPGVGLGDP[Gln489Pro]AIQERLIPGQ